The following is an entry in ClinVar:

NM_005090.4(JMJD7-PLA2G4B):c.997C>T (p.Leu333=)

Genes: JMJD7-PLA2G4B (JMJD7-PLA2G4B readthrough; plus strand), PLA2G4B (phospholipase A2 group IVB; plus strand). Cytogenetic location: 15q15.1.
Variant type: single nucleotide variant.
Coding change: c.997C>T on transcript NM_005090.4; coding-DNA position 997, C replaced by T.
Protein change: p.Leu333=; no amino-acid change (leucine 333 retained).
Molecular consequence: synonymous variant.
Genome position (GRCh38, 1-based): chr15:41,840,858, C>T. VCF-style: chr15-41840858-C-T. GRCh37 (hg19) VCF-style: chr15-42133056-C-T.
Other names: c.304C>T, p.Leu102= (NM_001114633.2); c.997C>T, p.Leu333= (NM_001198588.2).
Identifiers: ClinVar variation 3034528 (VCV003034528.2), dbSNP rs199868786, ClinGen allele CA7499521.

ClinVar aggregate classification (germline): Likely benign (0 of 4 stars; one submission).

Conditions:
JMJD7-PLA2G4B-related disorder. Also called: JMJD7-PLA2G4B-related condition.

Allele frequency attached by ClinVar (database versions not stated): ExAC 0.00006; ESP Exome Variant Server 0.00008; TOPMed 0.00009; gnomAD 0.00011; 1000 Genomes Project 0.00040; 1000 Genomes Project 30x 0.00062.

Submission:

PreventionGenetics, part of Exact Sciences
Classification: Likely benign for JMJD7-PLA2G4B-related condition. Last evaluated: 2019-08-06. Review status: no assertion criteria provided. Collection method: clinical testing. Allele origin: germline.
Comment: This variant is classified as likely benign based on ACMG/AMP sequence variant interpretation guidelines (Richards et al. 2015 PMID: 25741868, with internal and published modifications).